The following is an entry in ClinVar:

NM_016011.5(MECR):c.-8G>T

Gene: MECR (mitochondrial trans-2-enoyl-CoA reductase; minus strand). Cytogenetic location: 1p35.3.
Variant type: single nucleotide variant.
Coding change: c.-8G>T on transcript NM_016011.5 (MANE Select); 8 bases upstream of the start codon, G replaced by T.
Molecular consequence: 5 prime UTR variant. On other transcripts: non-coding transcript variant (4).
Genome position (GRCh38, 1-based): chr1:29,230,914, C>A on the plus strand (G>T on the coding strand, the complement: MECR is on the minus strand). VCF-style: chr1-29230914-C-A. GRCh37 (hg19) VCF-style: chr1-29557426-C-A.
Other names: c.-363G>T (NM_001024732.4); c.-567G>T (NM_001349711.2); c.-568G>T (NM_001349712.2); c.-445G>T (NM_001349713.2); c.-357G>T (NM_001349714.2); c.-8G>T (NM_001349715.2, NM_001349716.2); c.-150G>T (NM_001349717.2).
Identifiers: ClinVar variation 4684806 (VCV004684806.1).

ClinVar aggregate classification (germline): Likely benign (1 of 4 stars; one submission).

gnomAD v4.1: 19 of 1,588,794 alleles (0.0012%); highest among the groups gnomAD compares: East Asian, 0.023%; no homozygotes.

Submission:

Mayo Clinic Laboratories, Mayo Clinic
Classification: Likely benign. Last evaluated: 2025-09-30. Review status: criteria provided, single submitter. Criteria: ACMG Guidelines, 2015. Collection method: clinical testing. Allele origin: germline. Observed: 1 variant allele.
Comment: BP4, BP7